The following is an entry in ClinVar:

ClinVar aggregate classification (germline): Pathogenic/Likely pathogenic. Review status: criteria provided, multiple submitters, no conflicts (2 of 4 stars). 11 submissions from 10 submitters: Pathogenic (7); Likely pathogenic (2). 2 of the submissions do not count toward it. Last evaluated 2025-12-05.

Conditions:
Epidermolysis bullosa dystrophica, autosomal recessive, localisata variant. Identifiers: MedGen C2673611.
Epidermolysis bullosa pruriginosa, autosomal recessive. Identifiers: MedGen C1853063.
Recessive dystrophic epidermolysis bullosa (RDEB). Also called: Hallopeau-Siemens Disease; Recessive DEB (RDEB); epidermolysis bullosa dystrophica, autosomal recessive; Epidermolysis Bullosa Distrophica Autosomal Recessive (RDEB); EPIDERMOLYSIS BULLOSA DYSTROPHICA, GENERALIZED SEVERE, AUTOSOMAL RECESSIVE; DYSTROPHIC EPIDERMOLYSIS BULLOSA, AUTOSOMAL RECESSIVE. Identifiers: Orphanet 79408, Orphanet 79409, MedGen C0079474, MONDO:0009179, OMIM 226600.
Generalized dominant dystrophic epidermolysis bullosa (DDEB). Also called: Dominant DEB (DDEB); DDEB, generalized; DDEB-gen; DYSTROPHIC EPIDERMOLYSIS BULLOSA, AUTOSOMAL DOMINANT; Epidermolysis bullosa dystrophica, autosomal dominant. Identifiers: Orphanet 231568, MedGen C0432322, MONDO:0007549, OMIM 131750.
Transient bullous dermolysis of the newborn (TBDN). Also called: EPIDERMOLYSIS BULLOSA DYSTROPHICA, NEONATAL FORM; DYSTROPHIC EPIDERMOLYSIS BULLOSA, NEONATAL. Identifiers: Orphanet 79411, MedGen C1851573, MONDO:0007548, OMIM 131705.
Nonsyndromic congenital nail disorder 8. Also called: TOENAIL DYSTROPHY, ISOLATED. Identifiers: MedGen C1843761, MONDO:0011852, OMIM 607523.
Epidermolysis bullosa pruriginosa. Also called: DEB, PRURIGINOSA; DYSTROPHIC EPIDERMOLYSIS BULLOSA PRURIGINOSA. Identifiers: Orphanet 89843, MedGen C1275114, MONDO:0011398, OMIM 604129.
Pretibial dystrophic epidermolysis bullosa. Also called: Pretibial epidermolysis bullosa; EPIDERMOLYSIS BULLOSA DYSTROPHICA, PRETIBIAL; Pretibial blistering. Identifiers: Orphanet 79410, MedGen C0432321, MONDO:0007552, OMIM 131850, HP:0012221.
Dominant dystrophic epidermolysis bullosa with absence of skin. Also called: EPIDERMOLYSIS BULLOSA WITH CONGENITAL LOCALIZED ABSENCE OF SKIN AND DEFORMITY OF NAILS; EPIDERMOLYSIS BULLOSA DYSTROPHICA, BART TYPE. Identifiers: MedGen C0268371, MONDO:0007557, OMIM 132000.
Epidermolysis bullosa dystrophica. Also called: Dystrophic epidermolysis bullosa; Dystrophic epidermolysis bullosa, Hallopeau-Siemens type (formerly). Identifiers: Orphanet 303, MedGen C0079294, MONDO:0006543.
COL7A1-related disorder. Also called: COL7A1- related disorders; COL7A1-related condition.

Allele frequency attached by ClinVar (database versions not stated): TOPMed 0.00002; gnomAD exomes 0.00003; ExAC 0.00004; gnomAD 0.00006 and 0.00007; 1000 Genomes Project 30x 0.00031; 1000 Genomes Project 0.00040.
gnomAD v4.1: 82 of 1,604,474 alleles (0.0051%); highest among the groups gnomAD compares: Non-Finnish European, 0.0066%; 1 homozygote.

Submissions (11):

PreventionGenetics, part of Exact Sciences
Classification: Pathogenic for COL7A1-related condition. Last evaluated: 2025-12-05. Review status: criteria provided, single submitter. Criteria: ACMG Guidelines, 2015. Collection method: clinical testing. Allele origin: germline.
Comment: The COL7A1 c.7344G>A variant is not predicted to result in an amino acid change (p.=). This variant has been reported in the compound heterozygous state in multiple individuals with autosomal recessive dystrophic epidermolysis bullosa (for example, see Whittock et al. 1999. PubMed ID: 10504458; Gardella et al. 2002. PubMed ID: 12485454; Table S6, Rossi et al. 2021. PubMed ID: 33274474). This variant alters the final nucleotide of exon 95 and RNA sequencing data from affected patient fibroblasts showed both the full-length COL7A1 mRNA and a variant transcript lacking the final seven base pairs of exon 95 (Gardella et al. 1996. PubMed ID: 8755915). This variant is reported in 0.0076% of alleles in individuals of European (Non-Finnish) descent in gnomAD. Taken together, this variant is interpreted as pathogenic.

Labcorp Genetics (formerly Invitae), Labcorp
Classification: Pathogenic. Last evaluated: 2025-11-04. Review status: criteria provided, single submitter. Criteria: Invitae Variant Classification Sherloc (09022015). Collection method: clinical testing. Allele origin: germline.
Comment: This sequence change affects codon 2448 of the COL7A1 mRNA. It is a 'silent' change, meaning that it does not change the encoded amino acid sequence of the COL7A1 protein. RNA analysis indicates that this variant induces altered splicing and may result in an absent or altered protein product. This variant is present in population databases (rs201728948, gnomAD 0.006%). This variant has been observed in individual(s) with autosomal recessive dystrophic epidermolysis bullosa (PMID: 10504458, 12485454, 16271705). In at least one individual the data is consistent with being in trans (on the opposite chromosome) from a pathogenic variant. ClinVar contains an entry for this variant (Variation ID: 372349). Variants that disrupt the consensus splice site are a relatively common cause of aberrant splicing (PMID: 17576681, 9536098). Studies have shown that this variant results in altered splicing, and produces a non-functional protein and/or introduces a premature termination codon (PMID: 8755915). For these reasons, this variant has been classified as Pathogenic.

Dasa
Classification: Pathogenic. Last evaluated: 2025-04-17. Review status: criteria provided, single submitter. Criteria: DASA Assertion Criteria. Collection method: clinical testing. Allele origin: germline.
Comment: NM_000094.4(COL7A1):c.7344G>A (p.Val2448=) is a sequence variant. This variant has been observed in affected individuals with related phenotype in a genotype context consistent with recessive disease (PMID: 8755915; PMID: 16965329; PMID: 10504458; PMID: 12485454). Functional evidence supports a deleterious effect on the gene or gene product (PMID: 8755915; PMID: 16965329; PMID: 10504458; PMID: 12485454). This variant has been recurrently observed in individuals with related phenotype (PMID: 8755915; PMID: 16965329; PMID: 10504458; PMID: 12485454). Segregation evidence has been reported in affected families. Multiple computational predictions support a deleterious effect on the gene or gene product. The variant is present at low frequency in population datasets. Based on the available data, this variant is classified as pathogenic.

Natera, Inc.
Classification: Pathogenic for Dystrophic epidermolysis bullosa. Last evaluated: 2025-02-20. Review status: criteria provided, single submitter. Criteria: Natera Variant Classification Schema (03/2026). Collection method: clinical testing. Allele origin: germline.
Comment: The c.7344G>A variant in COL7A1 is a synonymous variant that does not alter the encoded amino acid at position 2448 (p.V2448=). This variant is rare in the general population with a frequency below the threshold expected for the associated phenotype(s). This variant has been observed in one or more individuals affected with the associated recessive disease, as either homozygous or compound heterozygous with a second variant (PMID: 20060269, 8755915, 25913354, 16965329, 16484981). Additionally, this variant has been observed to segregate in affected family members (PMID: 20060269). Functional studies show that this variant may disrupt protein function (PMID: 8755915, 16965329). Computational prediction algorithms indicate this variant is likely to affect gene or protein function. Given the available evidence, this variant is classified as Pathogenic.

3billion
Classification: Likely pathogenic for COL7A1-related disorder. Last evaluated: 2024-09-10. Review status: criteria provided, single submitter. Criteria: ACMG Guidelines, 2015. Collection method: clinical testing. Allele origin: germline. Affected: yes.
Comment: The variant is observed at an extremely low frequency in the gnomAD v4.0.0 dataset (total allele frequency: 0.005%). Predicted Consequence/Location: Synonymous variant, Previously reported to alter splicing and result in a loss of normal protein function through nonsense-mediated decay (NMD) or protein truncation (PMID: 8755915). In silico tools predict the variant to alter splicing and produce an abnormal transcript [SpliceAI: 0.63 (>=0.2, moderate evidence for spliceogenicity)]. Synonymous variant, Previously reported to alter splicing and result in a loss of normal protein function through nonsense-mediated decay (NMD) or protein truncation (PMID: 8755915). Therefore, this variant is classified as Pathogenic according to the recommendation of ACMG/AMP guideline.

Department of Pathology and Laboratory Medicine, Sinai Health System
Classification: Pathogenic for recessive dystrophic epidermolysis bullosa. Last evaluated: 2023-05-09. Review status: criteria provided, single submitter. Criteria: ACMG Guidelines, 2015. Collection method: research. Allele origin: germline.

GeneDx
Classification: Pathogenic. Last evaluated: 2021-11-22. Review status: criteria provided, single submitter. Criteria: GeneDx Variant Classification Process June 2021. Collection method: clinical testing. Allele origin: germline. Affected: yes.
Comment: Analysis of mRNA derived from a DEB patient showed that c.7344 G>A may produce both normal and abnormal size transcripts; in the abnormal transcript, the last 7 nucleotides of exon 95 are missing due to usage of a cryptic splice donor site located 7bp upstream of the natural donor site (Gardella et al., 1996); In silico analysis supports a deleterious effect on splicing; This variant is associated with the following publications: (PMID: 8755915, 12485454, 29334134, 10504458, 16271705, 31167965, 31001817, 34597860, 33274474)

Blueprint Genetics
Classification: Likely pathogenic for COL7A1-related disorders. Last evaluated: 2021-02-22. Review status: criteria provided, single submitter. Criteria: ACMG Guidelines, 2015. Collection method: clinical testing. Allele origin: germline. Affected: yes. Observed: 2 variant alleles.

Fulgent Genetics
Classification: Pathogenic for Transient bullous dermolysis of the newborn; Generalized dominant dystrophic epidermolysis bullosa; Pretibial dystrophic epidermolysis bullosa; Dominant dystrophic epidermolysis bullosa with absence of skin; Recessive dystrophic epidermolysis bullosa; Epidermolysis bullosa pruriginosa; Nonsyndromic congenital nail disorder 8. Last evaluated: 2018-10-31. Review status: criteria provided, single submitter. Criteria: ACMG Guidelines, 2015. Collection method: clinical testing. Allele origin: unknown.

OMIM
Classification: Pathogenic for EPIDERMOLYSIS BULLOSA DYSTROPHICA, AUTOSOMAL RECESSIVE, LOCALISATA VARIANT. Last evaluated: 2006-10-01. Review status: no assertion criteria provided. Collection method: literature only. Allele origin: germline. Not counted in ClinVar's aggregate classification.

OMIM
Classification: Pathogenic for EPIDERMOLYSIS BULLOSA PRURIGINOSA, AUTOSOMAL RECESSIVE. Last evaluated: 2006-10-01. Review status: no assertion criteria provided. Collection method: literature only. Allele origin: germline. Not counted in ClinVar's aggregate classification.

Literature cited by the submitters: PubMed 10504458 (cited by Labcorp Genetics (formerly Invitae), Labcorp and Dasa); PubMed 12485454 (cited by Labcorp Genetics (formerly Invitae), Labcorp and Dasa); PubMed 16271705 (cited by Labcorp Genetics (formerly Invitae), Labcorp); PubMed 17576681 (cited by Labcorp Genetics (formerly Invitae), Labcorp); PubMed 9536098 (cited by Labcorp Genetics (formerly Invitae), Labcorp); PubMed 8755915 (cited by 4 submitters); PubMed 16965329 (cited by 3 submitters); PubMed 20060269 (cited by Natera, Inc.); PubMed 25913354 (cited by Natera, Inc.); PubMed 16484981 (cited by Natera, Inc.); PubMed 29334134 (cited by 3billion).

NM_000094.4(COL7A1):c.7344G>A (p.Val2448=)

Gene: COL7A1 (collagen type VII alpha 1 chain; minus strand). Cytogenetic location: 3p21.31.
Variant type: single nucleotide variant.
Coding change: c.7344G>A on transcript NM_000094.4 (MANE Select); coding-DNA position 7344, G replaced by A.
Protein change: p.Val2448=; no amino-acid change (valine 2448 retained).
Molecular consequence: synonymous variant.
Genome position (GRCh38, 1-based): chr3:48,570,639, C>T on the plus strand (G>A on the coding strand, the complement: COL7A1 is on the minus strand). VCF-style: chr3-48570639-C-T. GRCh37 (hg19) VCF-style: chr3-48608072-C-T.
Other names: IVS95DS, G-A, -1.
Identifiers: ClinVar variation 372349 (VCV000372349.22), dbSNP rs201728948, ClinGen allele CA2378563.